The following is an entry in ClinVar:

NM_000632.4(ITGAM):c.253G>T (p.Val85Leu)

Genes: ITGAM (integrin subunit alpha M; plus strand), LOC126862331 (P300/CBP strongly-dependent group 1 enhancer GRCh37_chr16:31276375-31277574; plus strand). Cytogenetic location: 16p11.2.
Variant type: single nucleotide variant.
Coding change: c.253G>T on transcript NM_000632.4 (MANE Select); coding-DNA position 253, G replaced by T.
Protein change: p.Val85Leu; replaces valine 85 with leucine.
Molecular consequence: missense variant.
Genome position (GRCh38, 1-based): chr16:31,265,825, G>T. VCF-style: chr16-31265825-G-T. GRCh37 (hg19) VCF-style: chr16-31277146-G-T.
Other names: c.253G>T, p.Val85Leu (NM_001145808.2); short protein forms V85L.
Identifiers: ClinVar variation 2776007 (VCV002776007.3), dbSNP rs1478334387, ClinGen allele CA395683734.

ClinVar aggregate classification (germline): Uncertain significance (1 of 4 stars; one submission).

gnomAD v4.1: 4 of 1,613,894 alleles (0.00025%); highest among the groups gnomAD compares: South Asian, 0.0033%; no homozygotes.

Submission:

Labcorp Genetics (formerly Invitae), Labcorp
Classification: Uncertain significance. Last evaluated: 2023-06-09. Review status: criteria provided, single submitter. Criteria: Invitae Variant Classification Sherloc (09022015). Collection method: clinical testing. Allele origin: germline.
Comment: In summary, the available evidence is currently insufficient to determine the role of this variant in disease. Therefore, it has been classified as a Variant of Uncertain Significance. An algorithm developed to predict the effect of missense changes on protein structure and function (PolyPhen-2) suggests that this variant is likely to be disruptive. This variant has not been reported in the literature in individuals affected with ITGAM-related conditions. This variant is not present in population databases (gnomAD no frequency). This sequence change replaces valine, which is neutral and non-polar, with leucine, which is neutral and non-polar, at codon 85 of the ITGAM protein (p.Val85Leu).